The following is an entry in ClinVar:

ClinVar aggregate classification (germline): Uncertain significance. Review status: criteria provided, multiple submitters, no conflicts (2 of 4 stars). 2 submissions from 2 submitters: Uncertain significance (2). Last evaluated 2025-03-15.

Conditions:
Hereditary cancer-predisposing syndrome. Also called: Hereditary Cancer Syndrome; Neoplastic Syndromes, Hereditary; Tumor predisposition; Hereditary neoplastic syndrome. Identifiers: Orphanet 140162, MedGen C0027672, MeSH D009386, MONDO:0015356.
Mitochondrial complex II deficiency, nuclear type 1. Also called: SUCCINATE CoQ REDUCTASE DEFICIENCY. Identifiers: Orphanet 3208, MedGen C5700310, MONDO:0100294, OMIM 252011.
Pheochromocytoma/paraganglioma syndrome 5. Also called: Paragangliomas 5; SDHA-Related Hereditary Paraganglioma-Pheochromocytoma Syndrome. Identifiers: Orphanet 29072, MedGen C3279992, MONDO:0013602, OMIM 614165.

Allele frequency attached by ClinVar (database versions not stated): gnomAD 0.00001; gnomAD exomes 0.00001; ExAC 0.00003.
gnomAD v4.1: 6 of 1,597,668 alleles (0.00038%); highest among the groups gnomAD compares: Non-Finnish European, 0.00051%; no homozygotes.

Submissions (2):

Labcorp Genetics (formerly Invitae), Labcorp
Classification: Uncertain significance for Pheochromocytoma/paraganglioma syndrome 5; Mitochondrial complex II deficiency, nuclear type 1. Last evaluated: 2025-03-15. Review status: criteria provided, single submitter. Criteria: Invitae Variant Classification Sherloc (09022015). Collection method: clinical testing. Allele origin: germline.
Comment: This sequence change replaces proline, which is neutral and non-polar, with histidine, which is basic and polar, at codon 482 of the SDHA protein (p.Pro482His). This variant is present in population databases (rs759661610, gnomAD 0.003%). This variant has not been reported in the literature in individuals affected with SDHA-related conditions. ClinVar contains an entry for this variant (Variation ID: 949428). Invitae Evidence Modeling of protein sequence and biophysical properties (such as structural, functional, and spatial information, amino acid conservation, physicochemical variation, residue mobility, and thermodynamic stability) indicates that this missense variant is not expected to disrupt SDHA protein function with a negative predictive value of 95%. In summary, the available evidence is currently insufficient to determine the role of this variant in disease. Therefore, it has been classified as a Variant of Uncertain Significance.

Ambry Genetics
Classification: Uncertain significance for Hereditary cancer-predisposing syndrome. Last evaluated: 2024-08-06. Review status: criteria provided, single submitter. Criteria: Ambry Variant Classification Scheme 2023. Collection method: clinical testing. Allele origin: germline.
Comment: The p.P482H variant (also known as c.1445C>A), located in coding exon 11 of the SDHA gene, results from a C to A substitution at nucleotide position 1445. The proline at codon 482 is replaced by histidine, an amino acid with similar properties. This amino acid position is conserved. In addition, this alteration is predicted to be tolerated by in silico analysis. Based on the available evidence, the clinical significance of this variant remains unclear.

NM_004168.4(SDHA):c.1445C>A (p.Pro482His)

Gene: SDHA (succinate dehydrogenase complex flavoprotein subunit A; plus strand). Cytogenetic location: 5p15.33.
Variant type: single nucleotide variant.
Coding change: c.1445C>A on transcript NM_004168.4 (MANE Select); coding-DNA position 1445, C replaced by A.
Protein change: p.Pro482His; replaces proline 482 with histidine.
Molecular consequence: missense variant.
Genome position (GRCh38, 1-based): chr5:240,370, C>A. VCF-style: chr5-240370-C-A. GRCh37 (hg19) VCF-style: chr5-240485-C-A.
Other names: c.1301C>A, p.Pro434His (NM_001294332.2); c.1445C>A, p.Pro482His (NM_001330758.2); c.1445C>A (NM_004168.2); short protein forms P434H, P482H.
Identifiers: ClinVar variation 949428 (VCV000949428.11), dbSNP rs759661610, ClinGen allele CA3173256.